The following is an entry in ClinVar:

NM_000256.3(MYBPC3):c.2261A>G (p.Lys754Arg)

Gene: MYBPC3 (myosin binding protein C3; minus strand). Cytogenetic location: 11p11.2.
Variant type: single nucleotide variant.
Coding change: c.2261A>G on transcript NM_000256.3 (MANE Select); coding-DNA position 2261, A replaced by G.
Protein change: p.Lys754Arg; replaces lysine 754 with arginine.
Molecular consequence: missense variant.
Genome position (GRCh38, 1-based): chr11:47,338,567, T>C on the plus strand (A>G on the coding strand, the complement: MYBPC3 is on the minus strand). VCF-style: chr11-47338567-T-C. GRCh37 (hg19) VCF-style: chr11-47360118-T-C.
Other names: short protein forms K754R.
Identifiers: ClinVar variation 3297221 (VCV003297221.3).

ClinVar aggregate classification (germline): Uncertain significance. Review status: criteria provided, multiple submitters, no conflicts (2 of 4 stars). 3 submissions from 3 submitters: Uncertain significance (3). Last evaluated 2025-12-13.

Conditions:
Cardiovascular phenotype. Identifiers: MedGen CN230736.
Hypertrophic cardiomyopathy. Also called: HYPERTROPHIC MYOCARDIOPATHY. Identifiers: Orphanet 217569, MedGen C0007194, MeSH D002312, MONDO:0005045, HP:0001639.

gnomAD v4.1: 9 of 1,614,046 alleles (0.00056%); highest among the groups gnomAD compares: Non-Finnish European, 0.00076%; no homozygotes.

Submissions (3):

Labcorp Genetics (formerly Invitae), Labcorp
Classification: Uncertain significance for Hypertrophic cardiomyopathy. Last evaluated: 2025-12-13. Review status: criteria provided, single submitter. Criteria: Invitae Variant Classification Sherloc (09022015). Collection method: clinical testing. Allele origin: germline.
Comment: This sequence change replaces lysine, which is basic and polar, with arginine, which is basic and polar, at codon 754 of the MYBPC3 protein (p.Lys754Arg). This variant is not present in population databases (gnomAD no frequency). This variant has not been reported in the literature in individuals affected with MYBPC3-related conditions. ClinVar contains an entry for this variant (Variation ID: 3297221). An algorithm developed to predict the effect of missense changes on protein structure and function (PolyPhen-2) suggests that this variant is likely to be tolerated. In summary, the available evidence is currently insufficient to determine the role of this variant in disease. Therefore, it has been classified as a Variant of Uncertain Significance.

Blueprint Genetics
Classification: Uncertain significance. Last evaluated: 2024-08-15. Review status: criteria provided, single submitter. Criteria: ACMG Guidelines, 2015. Collection method: clinical testing. Allele origin: germline.

Ambry Genetics
Classification: Uncertain significance for Cardiovascular phenotype. Last evaluated: 2024-04-21. Review status: criteria provided, single submitter. Criteria: Ambry Variant Classification Scheme 2023. Collection method: clinical testing. Allele origin: germline.
Comment: The p.K754R variant (also known as c.2261A>G), located in coding exon 23 of the MYBPC3 gene, results from an A to G substitution at nucleotide position 2261. The lysine at codon 754 is replaced by arginine, an amino acid with highly similar properties. This amino acid position is conserved. In addition, this alteration is predicted to be tolerated by in silico analysis. Based on the available evidence, the clinical significance of this variant remains unclear.